The following is an entry in ClinVar:

ClinVar aggregate classification (germline): Uncertain significance (1 of 4 stars; one submission).

Conditions:
Hyperphosphatasia with impaired intellectual development syndrome 2. Also called: Hyperphosphatasia with intellectual disability syndrome 2; GLYCOSYLPHOSPHATIDYLINOSITOL BIOSYNTHESIS DEFECT 6. Identifiers: Orphanet 247262, MedGen C3553637, MONDO:0013882, OMIM 614749.

Submission:

Center for Genomics, Ann and Robert H. Lurie Children's Hospital of Chicago
Classification: Uncertain significance for Hyperphosphatasia with impaired intellectual development syndrome 2. Last evaluated: 2021-03-30. Review status: criteria provided, single submitter. Criteria: ACMG Guidelines, 2015. Collection method: clinical testing. Allele origin: germline.
Comment: PIGO NM_032634 exon 11 p.Gly1065Ala (c.3194G>C): This variant has not been reported in the literature and is not present in large control databases. Evolutionary conservation and computational predictive tools suggest that this variant may impact the protein. In summary, data on this variant is insufficient for disease classification. Therefore, the clinical significance of this variant is uncertain.

NM_032634.4(PIGO):c.3194G>C (p.Gly1065Ala)

Gene: PIGO (phosphatidylinositol glycan anchor biosynthesis class O; minus strand). Cytogenetic location: 9p13.3.
Variant type: single nucleotide variant.
Coding change: c.3194G>C on transcript NM_032634.4 (MANE Select); coding-DNA position 3194, G replaced by C.
Protein change: p.Gly1065Ala; replaces glycine 1065 with alanine.
Molecular consequence: missense variant.
Genome position (GRCh38, 1-based): chr9:35,089,168, C>G on the plus strand (G>C on the coding strand, the complement: PIGO is on the minus strand). VCF-style: chr9-35089168-C-G. GRCh37 (hg19) VCF-style: chr9-35089165-C-G.
Other names: c.1943G>C, p.Gly648Ala (NM_001201484.2, NM_152850.4); short protein forms G1065A, G648A.
Identifiers: ClinVar variation 625991 (VCV000625991.2), dbSNP rs1563992617, ClinGen allele CA373317015.